The following is an entry in ClinVar:

ClinVar aggregate classification (germline): Pathogenic (1 of 4 stars; one submission).

Conditions:
USH2A-related disorder. Also called: USH2A-related condition; USH2A-related disorders. Identifiers: MedGen CN239332.

Submission:

Myriad Genetics, Inc.
Classification: Pathogenic for USH2A-related disorder. Last evaluated: 2024-02-08. Review status: criteria provided, single submitter. Criteria: Myriad Autosomal Dominant, Autosomal Recessive and X-Linked Classification Criteria (2023). Collection method: clinical testing. Allele origin: unknown.
Comment: NM_206933.2(USH2A):c.2145C>A(C715*) is expected to be pathogenic in the context of USH2A-related disorders. This variant is predicted to lead to an abnormal or absent protein product due to the creation of a premature termination codon in USH2A, a gene where loss-of-function variants are known to be pathogenic. Please note: this variant was assessed in the context of healthy population screening.

NM_206933.4(USH2A):c.2145C>A (p.Cys715Ter)

Gene: USH2A (usherin; minus strand). Cytogenetic location: 1q41.
Variant type: single nucleotide variant.
Coding change: c.2145C>A on transcript NM_206933.4 (MANE Select); coding-DNA position 2145, C replaced by A.
Protein change: p.Cys715Ter; replaces cysteine 715 with a stop codon.
Molecular consequence: nonsense.
Genome position (GRCh38, 1-based): chr1:216,250,925, G>T on the plus strand (C>A on the coding strand, the complement: USH2A is on the minus strand). VCF-style: chr1-216250925-G-T. GRCh37 (hg19) VCF-style: chr1-216424267-G-T.
Other names: c.2145C>A, p.Cys715Ter (NM_007123.6); short protein forms C715*.
Identifiers: ClinVar variation 5012715 (VCV005012715.1).
Genomic context (GRCh38, chr1:216,250,925, plus strand): 5'-AATAGAGATGTGACTGTAAACTTTTGCGTTACACGTACCAATAACGTTTGCTTTGCACTT[G>T]CACTGGCCTGAATTTTGGTGACAGGTAATATCTCCATCCACTGTCCCAGAGGTATTGCAG-3'